The following is an entry in ClinVar:

NC_000008.11:g.16405000_16410993del

Variant type: Deletion.
Genome position: GRCh38: chr8:16,405,000-16,410,993. GRCh37 (hg19): chr8:16,262,509-16,268,502.
Identifiers: ClinVar variation 157103 (VCV000157103.3), ClinGen allele CA212220.

ClinVar aggregate classification (germline): not provided. Review status: no classification provided (0 of 4 stars). 2 submissions from 1 submitter: not provided (2).

Conditions:
Preeclampsia. Identifiers: Orphanet 275555, MedGen C0032914, MONDO:0005081, HP:0100602.
Normal pregnancy. Identifiers: MedGen C0232989.

Submissions (2):

Institute of Molecular and Cell Biology, University of Tartu
No classification provided. Condition: Normal pregnancy. Review status: no classification provided. Collection method: case-control. Allele origin: unknown. Affected: yes. Study: Kasak2014.
Comment: The study aimed to determine the contribution of copy number variants in the genetic etiology of normal and complicated pregnancies. The samples represented (i) maternal blood DNA drawn from healthy pregnant women during 1st or 2nd trimester and (ii) maternal and paternal blood DNA drawn at term pregnancy cases representing normal and complicated gestations (severe preeclampsia, PE; gestational diabetes, GD; small-for-gestational age newborn, SGA; large-for-gestational age newborn, LGA). We performed CNV calling based on genome-wide genotyping dataset (Illumina HumanOmniExpress-24-v1 BeadChip) by applying three algorithms, QuantiSNP, GADA (Genome Alteration Detection Algorithm) and CNstream in parallel. The acquired CNV calls were merged with HD-CNV (Hotspot Detector for Copy Number Variants) program and only the CNVs predicted by at least two programs, were considered in subsequent analysis.

Institute of Molecular and Cell Biology, University of Tartu
No classification provided. Condition: Preeclampsia. Review status: no classification provided. Collection method: case-control. Allele origin: unknown. Affected: yes. Study: Kasak2014.
Comment: the same text as in the submission from Institute of Molecular and Cell Biology, University of Tartu above.

Literature cited by the submitters: PubMed 25666259.